The following is an entry in ClinVar:

NM_001323289.2(CDKL5):c.1294A>G (p.Lys432Glu)

Gene: CDKL5 (cyclin dependent kinase like 5; plus strand). Cytogenetic location: Xp22.13.
Variant type: single nucleotide variant.
Coding change: c.1294A>G on transcript NM_001323289.2 (MANE Select); coding-DNA position 1294, A replaced by G.
Protein change: p.Lys432Glu; replaces lysine 432 with glutamic acid.
Molecular consequence: missense variant.
Genome position (GRCh38, 1-based): chrX:18,604,218, A>G. VCF-style: chrX-18604218-A-G. GRCh37 (hg19) VCF-style: chrX-18622338-A-G.
Other names: c.1294A>G, p.Lys432Glu (NM_001037343.2, NM_003159.3); short protein forms K432E.
Identifiers: ClinVar variation 3899616 (VCV003899616.1).

ClinVar aggregate classification (germline): Uncertain significance (1 of 4 stars; one submission).

gnomAD v4.1: 1 of 1,211,750 alleles (0.000083%); highest among the groups gnomAD compares: Non-Finnish European, 0.00011%; no homozygotes.

Submission:

GeneDx
Classification: Uncertain significance. Last evaluated: 2024-11-11. Review status: criteria provided, single submitter. Criteria: GeneDx Variant Classification Process June 2021. Collection method: clinical testing. Allele origin: germline. Affected: yes.
Comment: Not observed at significant frequency in large population cohorts (gnomAD); In silico analysis indicates that this missense variant does not alter protein structure/function; Has not been previously published as pathogenic or benign to our knowledge